The following is an entry in ClinVar:

NM_003036.4(SKI):c.581C>T (p.Ala194Val)

Gene: SKI (SKI proto-oncogene; plus strand). Cytogenetic location: 1p36.33.
Variant type: single nucleotide variant.
Coding change: c.581C>T on transcript NM_003036.4 (MANE Select); coding-DNA position 581, C replaced by T.
Protein change: p.Ala194Val; replaces alanine 194 with valine.
Molecular consequence: missense variant.
Genome position (GRCh38, 1-based): chr1:2,229,347, C>T. VCF-style: chr1-2229347-C-T. GRCh37 (hg19) VCF-style: chr1-2160786-C-T.
Other names: short protein forms A194V.
Identifiers: ClinVar variation 4875352 (VCV004875352.2).
Genomic context (GRCh38, chr1:2,229,347, plus strand): 5'-GCGGGCTCATCACCAAGACGGACGCCGAGCGCCTGTGCAACGCGCTGCTCTACGGCGGCG[C>T]CTACCCGCCGCCCTGCAAGAAGGAGCTGGCCGCCAGCCTGGCGCTGGGCCTGGAGCTCAG-3'
Protein context (NP_003027.1, residues 184-204): RLCNALLYGG[Ala194Val]YPPPCKKELA

ClinVar aggregate classification (germline): Uncertain significance (1 of 4 stars; one submission).

gnomAD v4.1: 1 of 1,595,518 alleles (0.000063%); highest among the groups gnomAD compares: Non-Finnish European, 0.000085%; no homozygotes.

Submission:

CeGaT Center for Human Genetics Tuebingen
Classification: Uncertain significance. Last evaluated: 2026-06-01. Review status: criteria provided, single submitter. Criteria: CeGaT Center For Human Genetics Tuebingen Variant Classification Criteria Version 2. Collection method: clinical testing. Allele origin: germline. Affected: yes. Observed: 1 variant allele.
Comment: SKI: PM2, PP3